The following is an entry in ClinVar:

ClinVar aggregate classification (germline): Uncertain significance (1 of 4 stars; one submission).

Submission:

Ambry Genetics
Classification: Uncertain significance. Last evaluated: 2025-02-16. Review status: criteria provided, single submitter. Criteria: Ambry Variant Classification Scheme 2023. Collection method: clinical testing. Allele origin: germline.
Comment: The p.P1019L variant (also known as c.3056C>T), located in coding exon 11 of the WNK2 gene, results from a C to T substitution at nucleotide position 3056. The proline at codon 1019 is replaced by leucine, an amino acid with similar properties. This amino acid position is conserved. In addition, this alteration is predicted to be tolerated by in silico analysis. Based on the available evidence, the clinical significance of this variant remains unclear.

NM_006648.4(WNK2):c.3056C>T (p.Pro1019Leu)

Gene: WNK2 (WNK lysine deficient protein kinase 2; plus strand). Cytogenetic location: 9q22.31.
Variant type: single nucleotide variant.
Coding change: c.3056C>T on transcript NM_006648.4 (MANE Select); coding-DNA position 3056, C replaced by T.
Protein change: p.Pro1019Leu; replaces proline 1019 with leucine.
Molecular consequence: missense variant.
Genome position (GRCh38, 1-based): chr9:93,259,604, C>T. VCF-style: chr9-93259604-C-T. GRCh37 (hg19) VCF-style: chr9-96021886-C-T.
Other names: c.3056C>T, p.Pro1019Leu (NM_001282394.3); short protein forms P1019L.
Identifiers: ClinVar variation 3817097 (VCV003817097.1).